The following is an entry in ClinVar:

NM_000350.3(ABCA4):c.1921T>G (p.Cys641Gly)

Gene: ABCA4 (ATP binding cassette subfamily A member 4; minus strand). Cytogenetic location: 1p22.1.
Variant type: single nucleotide variant.
Coding change: c.1921T>G on transcript NM_000350.3 (MANE Select); coding-DNA position 1921, T replaced by G.
Protein change: p.Cys641Gly; replaces cysteine 641 with glycine.
Molecular consequence: missense variant.
Genome position (GRCh38, 1-based): chr1:94,062,593, A>C on the plus strand (T>G on the coding strand, the complement: ABCA4 is on the minus strand). VCF-style: chr1-94062593-A-C. GRCh37 (hg19) VCF-style: chr1-94528149-A-C.
Other names: c.1921T>G, p.Cys641Gly (NM_001425324.1); short protein forms C641G.
Identifiers: ClinVar variation 1485773 (VCV001485773.4), dbSNP rs1661159038, ClinGen allele CA341279250.
Genomic context (GRCh38, chr1:94,062,593, plus strand): 5'-CCCATTAGCGTGTCATGGAGGAGGATCGCGAACTTCAGACTCACGAATCGTCCACGAAGC[A>C]GGGGTAGGGCATCTGCTGGAGGTAGATTCCAACTGGAGCCTCCGCCTGCACCTGGCTCCT-3'
Protein context (NP_000341.2, residues 631-651): GIYLQQMPYP[Cys641Gly]FVDDSFMIIL

ClinVar aggregate classification (germline): Uncertain significance. Review status: criteria provided, multiple submitters, no conflicts (2 of 4 stars). 2 submissions from 2 submitters: Uncertain significance (2). Last evaluated 2022-03-02.

Allele frequency attached by ClinVar (database versions not stated): TOPMed below 0.00001.

Submissions (2):

Labcorp Genetics (formerly Invitae), Labcorp
Classification: Uncertain significance. Last evaluated: 2022-03-02. Review status: criteria provided, single submitter. Criteria: Invitae Variant Classification Sherloc (09022015). Collection method: clinical testing. Allele origin: germline.
Comment: This sequence change replaces cysteine, which is neutral and slightly polar, with glycine, which is neutral and non-polar, at codon 641 of the ABCA4 protein (p.Cys641Gly). This variant is not present in population databases (gnomAD no frequency). This variant has not been reported in the literature in individuals affected with ABCA4-related conditions. Advanced modeling of protein sequence and biophysical properties (such as structural, functional, and spatial information, amino acid conservation, physicochemical variation, residue mobility, and thermodynamic stability) performed at Invitae indicates that this missense variant is expected to disrupt ABCA4 protein function. In summary, the available evidence is currently insufficient to determine the role of this variant in disease. Therefore, it has been classified as a Variant of Uncertain Significance.

Blueprint Genetics
Classification: Uncertain significance. Last evaluated: 2021-11-29. Review status: criteria provided, single submitter. Criteria: ACMG Guidelines, 2015. Collection method: clinical testing. Allele origin: germline.